The following is an entry in ClinVar:

ClinVar aggregate classification (germline): Conflicting classifications of pathogenicity. Review status: criteria provided, conflicting classifications (1 of 4 stars). 2 submissions from 2 submitters: Uncertain significance (1); Likely benign (1). Last evaluated 2018-09-12.

Allele frequency attached by ClinVar (database versions not stated): TOPMed 0.00010; 1000 Genomes Project 0.00060; 1000 Genomes Project 30x 0.00062.
gnomAD v4.1: 44 of 1,550,362 alleles (0.0028%); highest among the groups gnomAD compares: Admixed American, 0.059%; no homozygotes.

Submissions (2):

Athena Diagnostics
Classification: Uncertain significance. Last evaluated: 2018-09-12. Review status: criteria provided, single submitter. Criteria: Athena Diagnostics Criteria. Collection method: clinical testing. Allele origin: germline.

Laboratory for Molecular Medicine, Mass General Brigham Personalized Medicine
Classification: Likely benign. Last evaluated: 2015-10-04. Review status: criteria provided, single submitter. Criteria: LMM Criteria. Collection method: clinical testing. Allele origin: germline. Observed: 2 variant alleles.
Comment: p.Ala360Thr in exon 9 of OTOG: This variant is not expected to have clinical si gnificance because it has been identified in 0.34% (1/292) of Latino chromosomes by the Exome Aggregation Consortium (ExAC; dbSN P rs191354103), and because of a lack of conservation across species, including mammals. Of note, 7 mammals have a threonine (Thr) at this position despite high nearby amino acid conservation.

NM_001292063.2(OTOG):c.1042G>A (p.Ala348Thr)

Gene: OTOG (otogelin; plus strand). Cytogenetic location: 11p15.1.
Variant type: single nucleotide variant.
Coding change: c.1042G>A on transcript NM_001292063.2 (MANE Select); coding-DNA position 1042, G replaced by A.
Protein change: p.Ala348Thr; replaces alanine 348 with threonine.
Molecular consequence: missense variant.
Genome position (GRCh38, 1-based): chr11:17,558,583, G>A. VCF-style: chr11-17558583-G-A. GRCh37 (hg19) VCF-style: chr11-17580130-G-A.
Other names: c.1078G>A, p.Ala360Thr (NM_001277269.2); short protein forms A360T, A348T.
Identifiers: ClinVar variation 227761 (VCV000227761.6), dbSNP rs191354103, ClinGen allele CA5905439.